The following is an entry in ClinVar:

ClinVar aggregate classification (germline): Likely benign. Review status: criteria provided, multiple submitters, no conflicts (2 of 4 stars). 2 submissions from 2 submitters: Likely benign (2). Last evaluated 2025-05-23.

gnomAD v4.1: 152 of 775,654 alleles (0.02%); highest among the groups gnomAD compares: Admixed American, 0.099%; no homozygotes.

Submissions (2):

Women's Health and Genetics/Laboratory Corporation of America, LabCorp
Classification: Likely benign. Last evaluated: 2025-05-23. Review status: criteria provided, single submitter. Criteria: LabCorp Variant Classification Summary - May 2015. Collection method: clinical testing. Allele origin: germline.
Comment: Variant summary: C1R c.887G>A (p.Arg296Gln) results in a conservative amino acid change in the encoded protein sequence. Algorithms developed to predict the effect of missense changes on protein structure and function are either unavailable or do not agree on the potential impact of this missense change. The variant allele was found at a frequency of 0.00022 in 242650 control chromosomes. The observed variant frequency exceeds the estimated maximal expected allele frequency for a pathogenic variant in C1R causing Ehlers-Danlos syndrome, periodontal type 1 phenotype (1e-06). To our knowledge, no occurrence of c.887G>A in individuals affected with Ehlers-Danlos syndrome, periodontal type 1 and no experimental evidence demonstrating its impact on protein function have been reported. No submitters have cited clinical-significance assessments for this variant to ClinVar. Based on the evidence outlined above, the variant was classified as likely benign.

Blueprint Genetics
Classification: Likely benign. Last evaluated: 2024-11-20. Review status: criteria provided, single submitter. Criteria: ACMG Guidelines, 2015. Collection method: clinical testing. Allele origin: germline.

NM_001733.7(C1R):c.887G>A (p.Arg296Gln)

Gene: C1R (complement C1r; minus strand). Cytogenetic location: 12p13.31.
Variant type: single nucleotide variant.
Coding change: c.887G>A on transcript NM_001733.7 (MANE Select); coding-DNA position 887, G replaced by A.
Protein change: p.Arg296Gln; replaces arginine 296 with glutamine.
Molecular consequence: missense variant.
Genome position (GRCh38, 1-based): chr12:7,088,868, C>T on the plus strand (G>A on the coding strand, the complement: C1R is on the minus strand). VCF-style: chr12-7088868-C-T. GRCh37 (hg19) VCF-style: chr12-7241464-C-T.
Other names: c.929G>A, p.Arg310Gln (NM_001354346.2); short protein forms R296Q, R310Q.
Identifiers: ClinVar variation 3902714 (VCV003902714.2).